The following is an entry in ClinVar:

NM_001376.5(DYNC1H1):c.9832G>A (p.Val3278Ile)

Gene: DYNC1H1 (dynein cytoplasmic 1 heavy chain 1; plus strand). Cytogenetic location: 14q32.31.
Variant type: single nucleotide variant.
Coding change: c.9832G>A on transcript NM_001376.5 (MANE Select); coding-DNA position 9832, G replaced by A.
Protein change: p.Val3278Ile; replaces valine 3278 with isoleucine.
Molecular consequence: missense variant.
Genome position (GRCh38, 1-based): chr14:102,030,231, G>A. VCF-style: chr14-102030231-G-A. GRCh37 (hg19) VCF-style: chr14-102496568-G-A.
Other names: short protein forms V3278I.
Identifiers: ClinVar variation 3636169 (VCV003636169.2).
Genomic context (GRCh38, chr14:102,030,231, plus strand): 5'-CAAGAAATCCAGGAACAGCTGCATAAGCAGCAGGAGGTAATTGCAGACAAACAGATGAGT[G>A]TCAAAGAAGATCTTGATAAGGTGGAACCTGCCGTCATTGAGGCCCAGAATGGTATGTAAA-3'
Protein context (NP_001367.2, residues 3268-3288): QEVIADKQMS[Val3278Ile]KEDLDKVEPA

ClinVar aggregate classification (germline): Uncertain significance (1 of 4 stars; one submission).

Conditions:
Charcot-Marie-Tooth disease axonal type 2O. Also called: Charcot-Marie-Tooth disease, axonal, type 20; CHARCOT-MARIE-TOOTH NEUROPATHY, AXONAL, TYPE 2O; CHARCOT-MARIE-TOOTH DISEASE, AXONAL, AUTOSOMAL DOMINANT, TYPE 2O; Charcot-Marie-Tooth Neuropathy Type 2O. Identifiers: Orphanet 284232, MedGen C3280220, MONDO:0013644, OMIM 614228.

Submission:

Labcorp Genetics (formerly Invitae), Labcorp
Classification: Uncertain significance for Charcot-Marie-Tooth disease axonal type 2O. Last evaluated: 2024-05-12. Review status: criteria provided, single submitter. Criteria: Invitae Variant Classification Sherloc (09022015). Collection method: clinical testing. Allele origin: germline.
Comment: This sequence change replaces valine, which is neutral and non-polar, with isoleucine, which is neutral and non-polar, at codon 3278 of the DYNC1H1 protein (p.Val3278Ile). This variant is not present in population databases (gnomAD no frequency). This variant has not been reported in the literature in individuals affected with DYNC1H1-related conditions. Advanced modeling of protein sequence and biophysical properties (such as structural, functional, and spatial information, amino acid conservation, physicochemical variation, residue mobility, and thermodynamic stability) has been performed at Invitae for this missense variant, however the output from this modeling did not meet the statistical confidence thresholds required to predict the impact of this variant on DYNC1H1 protein function. In summary, the available evidence is currently insufficient to determine the role of this variant in disease. Therefore, it has been classified as a Variant of Uncertain Significance.